The following is an entry in ClinVar:

NM_001374736.1(DST):c.13369C>T (p.Arg4457Trp)

Gene: DST (dystonin; minus strand). Cytogenetic location: 6p12.1.
Variant type: single nucleotide variant.
Coding change: c.13369C>T on transcript NM_001374736.1 (MANE Select); coding-DNA position 13369, C replaced by T.
Protein change: p.Arg4457Trp; replaces arginine 4457 with tryptophan.
Molecular consequence: missense variant.
Genome position (GRCh38, 1-based): chr6:56,572,932, G>A on the plus strand (C>T on the coding strand, the complement: DST is on the minus strand). VCF-style: chr6-56572932-G-A. GRCh37 (hg19) VCF-style: chr6-56437730-G-A.
Other names: c.7012C>T, p.Arg2338Trp (NM_001144769.5); c.6598C>T, p.Arg2200Trp (NM_001144770.2); c.13369C>T, p.Arg4457Trp (NM_001374722.1); c.12736C>T, p.Arg4246Trp (NM_001374729.1); c.6478C>T, p.Arg2160Trp (NM_001374730.1, NM_001386100.1, NM_183380.4); c.13396C>T, p.Arg4466Trp (NM_001374734.1); c.5500C>T, p.Arg1834Trp (NM_015548.5); short protein forms R1834W, R2160W, R2200W, R2338W, R4466W, R4246W, R4457W.
Identifiers: ClinVar variation 1434477 (VCV001434477.3), dbSNP rs544606192, ClinGen allele CA3868226.

ClinVar aggregate classification (germline): Uncertain significance (1 of 4 stars; one submission).

Conditions:
Hereditary sensory and autonomic neuropathy type 6. Also called: HSAN VI; Neuropathy, hereditary sensory and autonomic, type VI. Identifiers: Orphanet 314381, MedGen C3539003, MONDO:0013839, OMIM 614653.
Epidermolysis bullosa simplex 3, localized or generalized intermediate, with BP230 deficiency (EBS3). Also called: Epidermolysis bullosa simplex, autosomal recessive 2; Epidermolysis bullosa simplex due to BP230 deficiency. Identifiers: Orphanet 412181, MedGen C3809470, MONDO:0014180, OMIM 615425.

Allele frequency attached by ClinVar (database versions not stated): gnomAD 0.00001 and 0.00002; gnomAD exomes 0.00002 and 0.00004; ExAC 0.00003; 1000 Genomes Project 30x 0.00016; 1000 Genomes Project 0.00020.
gnomAD v4.1: 59 of 1,613,088 alleles (0.0037%); highest among the groups gnomAD compares: Non-Finnish European, 0.0044%; no homozygotes.

Submission:

Labcorp Genetics (formerly Invitae), Labcorp
Classification: Uncertain significance for Epidermolysis bullosa simplex 3, localized or generalized intermediate, with BP230 deficiency; Hereditary sensory and autonomic neuropathy type 6. Last evaluated: 2022-06-23. Review status: criteria provided, single submitter. Criteria: Invitae Variant Classification Sherloc (09022015). Collection method: clinical testing. Allele origin: germline.
Comment: The DST gene has multiple clinically relevant transcripts. This variant occurs in alternate transcript NM_015548.4, and corresponds to NM_001723.5:c.*42585C>T in the primary transcript. This sequence change replaces arginine, which is basic and polar, with tryptophan, which is neutral and slightly polar, at codon 1834 of the DST protein (p.Arg1834Trp). This variant is present in population databases (rs544606192, gnomAD 0.003%). This variant has not been reported in the literature in individuals affected with DST-related conditions. Experimental studies and prediction algorithms are not available or were not evaluated, and the functional significance of this variant is currently unknown. In summary, the available evidence is currently insufficient to determine the role of this variant in disease. Therefore, it has been classified as a Variant of Uncertain Significance.